The following is an entry in ClinVar:

NM_172107.4(KCNQ2):c.195_196del (p.Lys66fs)

Gene: KCNQ2 (potassium voltage-gated channel subfamily Q member 2; minus strand). Cytogenetic location: 20q13.33.
Variant type: Deletion.
Coding change: c.195_196del on transcript NM_172107.4 (MANE Select); coding-DNA positions 195 to 196, 2 bases deleted (GA; older notation c.195_196delGA).
Protein change: p.Lys66fs; shifts the reading frame from lysine 66.
Molecular consequence: frameshift variant.
Genome position (GRCh38, 1-based): chr20:63,472,268-63,472,269, TC deleted on the plus strand (GA on the coding strand, the reverse complement: KCNQ2 is on the minus strand). VCF-style (leftmost placement, unchanged base first): chr20-63472267-TTC-T. GRCh37 (hg19) VCF-style: chr20-62103620-TTC-T.
Other names: c.195_196del, p.Lys66fs (NM_001382235.1, NM_004518.6, NM_172106.3 and 2 more transcripts); short protein forms K66fs.
Identifiers: ClinVar variation 1075006 (VCV001075006.8), dbSNP rs2145921462, ClinGen allele CA2499225813.
Genomic context (GRCh38, chr20:63,472,267, plus strand): 5'-TCCAGCACGTTGTAGAGGAAATTCTGCAGCTTGCGGTAGAAGGCGTTGCGCTTGGGGGGC[TTC>T]CCGGCGCCCGCGCCGCCCGCGCGAGGTTTGCTGAGGATGCTGCCGCGCTTGGGGGCCTCG-3'

ClinVar aggregate classification (germline): Pathogenic (1 of 4 stars; one submission).

Conditions:
Early-infantile DEE. Also called: Ohtahara syndrome; Early infantile epileptic encephalopathy with suppression bursts; Early infantile epileptic encephalopathy. Identifiers: Orphanet 1934, MedGen C0393706, MONDO:0800491.

Submission:

Labcorp Genetics (formerly Invitae), Labcorp
Classification: Pathogenic for Early-infantile DEE. Last evaluated: 2020-05-06. Review status: criteria provided, single submitter. Criteria: Invitae Variant Classification Sherloc (09022015). Collection method: clinical testing. Allele origin: germline.
Comment: Loss-of-function variants in KCNQ2 are known to be pathogenic (PMID: 14534157, 23692823, 27779742). This variant has not been reported in the literature in individuals with KCNQ2-related conditions. The frequency data for this variant in the population databases is considered unreliable, as metrics indicate insufficient coverage at this position in the ExAC database. This sequence change creates a premature translational stop signal (p.Lys66Alafs*53) in the KCNQ2 gene. It is expected to result in an absent or disrupted protein product. For these reasons, this variant has been classified as Pathogenic.

Literature cited by the submitters: PubMed 14534157; PubMed 23692823; PubMed 27779742.